The following is an entry in ClinVar:

NM_001374828.1(ARID1B):c.4490G>A (p.Arg1497His)

Gene: ARID1B (AT-rich interaction domain 1B; plus strand). Cytogenetic location: 6q25.3.
Variant type: single nucleotide variant.
Coding change: c.4490G>A on transcript NM_001374828.1 (MANE Select); coding-DNA position 4490, G replaced by A.
Protein change: p.Arg1497His; replaces arginine 1497 with histidine.
Molecular consequence: missense variant.
Genome position (GRCh38, 1-based): chr6:157,200,715, G>A. VCF-style: chr6-157200715-G-A. GRCh37 (hg19) VCF-style: chr6-157521849-G-A.
Other names: c.4241G>A, p.Arg1414His (NM_001346813.1); c.1991G>A, p.Arg664His (NM_001363725.2); c.4370G>A, p.Arg1457His (NM_001371656.1, NM_001374820.1); c.4331G>A, p.Arg1444His (NM_017519.3); c.4121G>A, p.Arg1374His (NM_020732.3); c.3908G>A, p.Arg1303His (NM_175863.2); short protein forms R1303H, R1374H, R1414H, R1444H, R1457H, R1497H, R664H.
Identifiers: ClinVar variation 2657066 (VCV002657066.25), dbSNP rs771056710, ClinGen allele CA4067644.

ClinVar aggregate classification (germline): Uncertain significance. Review status: criteria provided, multiple submitters, no conflicts (2 of 4 stars). 2 submissions from 2 submitters: Uncertain significance (2). Last evaluated 2024-10-11.

Conditions:
ARID1B-Related Disorder. Identifiers: MedGen CN381337.

Allele frequency attached by ClinVar (database versions not stated): gnomAD exomes below 0.00001; ExAC 0.00001.
gnomAD v4.1: 1 of 1,599,972 alleles (0.000063%); highest among the groups gnomAD compares: Non-Finnish European, 0.000085%; no homozygotes.

Submissions (2):

PreventionGenetics, part of Exact Sciences
Classification: Uncertain significance for ARID1B-related condition. Last evaluated: 2024-10-11. Review status: criteria provided, single submitter. Criteria: ACMG Guidelines, 2015. Collection method: clinical testing. Allele origin: germline.
Comment: The ARID1B c.4121G>A variant is predicted to result in the amino acid substitution p.Arg1374His. To our knowledge, this variant has not been reported in the literature. This variant is reported in 0.00091% of alleles in individuals of European (Non-Finnish) descent in gnomAD. At this time, the clinical significance of this variant is uncertain due to the absence of conclusive functional and genetic evidence.

CeGaT Center for Human Genetics Tuebingen
Classification: Uncertain significance. Last evaluated: 2023-03-01. Review status: criteria provided, single submitter. Criteria: CeGaT Center For Human Genetics Tuebingen Variant Classification Criteria Version 2. Collection method: clinical testing. Allele origin: germline. Affected: yes. Observed: 1 variant allele.
Comment: ARID1B: PM2